The following is an entry in ClinVar:

NM_018685.5(ANLN):c.2710-8T>A

Gene: ANLN (anillin, actin binding protein; plus strand). Cytogenetic location: 7p14.2.
Variant type: single nucleotide variant.
Coding change: c.2710-8T>A on transcript NM_018685.5 (MANE Select); 8 bases into the intron before coding-DNA position 2710, T replaced by A.
Molecular consequence: intron variant.
Genome position (GRCh38, 1-based): chr7:36,425,694, T>A. VCF-style: chr7-36425694-T-A. GRCh37 (hg19) VCF-style: chr7-36465303-T-A.
Other names: c.2599-8T>A (NM_001284301.3); c.2596-8T>A (NM_001284302.3).
Identifiers: ClinVar variation 3610818 (VCV003610818.2).

ClinVar aggregate classification (germline): Uncertain significance (1 of 4 stars; one submission).

gnomAD v4.1: 7 of 1,601,882 alleles (0.00044%); highest among the groups gnomAD compares: African/African-American, 0.008%; no homozygotes.

Submission:

Labcorp Genetics (formerly Invitae), Labcorp
Classification: Uncertain significance. Last evaluated: 2024-02-25. Review status: criteria provided, single submitter. Criteria: Invitae Variant Classification Sherloc (09022015). Collection method: clinical testing. Allele origin: germline.
Comment: This sequence change falls in intron 17 of the ANLN gene. It does not directly change the encoded amino acid sequence of the ANLN protein. This variant is not present in population databases (gnomAD no frequency). This variant has not been reported in the literature in individuals affected with ANLN-related conditions. Algorithms developed to predict the effect of sequence changes on RNA splicing suggest that this variant may disrupt the consensus splice site. In summary, the available evidence is currently insufficient to determine the role of this variant in disease. Therefore, it has been classified as a Variant of Uncertain Significance.